The following is an entry in ClinVar:

ClinVar aggregate classification (germline): Uncertain significance (1 of 4 stars; one submission).

Conditions:
Inborn genetic diseases. Identifiers: MedGen C0950123, MeSH D030342.

Allele frequency attached by ClinVar (database versions not stated): TOPMed below 0.00001; ExAC 0.00001; gnomAD 0.00001.
gnomAD v4.1: 12 of 1,613,790 alleles (0.00074%); highest among the groups gnomAD compares: South Asian, 0.0066%; no homozygotes.

Submission:

Ambry Genetics
Classification: Uncertain significance for Inborn genetic diseases. Last evaluated: 2021-01-27. Review status: criteria provided, single submitter. Criteria: Ambry Variant Classification Scheme 2023. Collection method: clinical testing. Allele origin: germline.
Comment: The c.2395G>A (p.D799N) alteration is located in exon 5 (coding exon 5) of the FMN2 gene. This alteration results from a G to A substitution at nucleotide position 2395, causing the aspartic acid (D) at amino acid position 799 to be replaced by an asparagine (N). The p.D799N alteration is predicted to be tolerated by in silico analysis. Based on insufficient or conflicting evidence, the clinical significance of this alteration remains unclear.

NM_020066.5(FMN2):c.2395G>A (p.Asp799Asn)

Gene: FMN2 (formin 2; plus strand). Cytogenetic location: 1q43.
Variant type: single nucleotide variant.
Coding change: c.2395G>A on transcript NM_020066.5 (MANE Select); coding-DNA position 2395, G replaced by A.
Protein change: p.Asp799Asn; replaces aspartic acid 799 with asparagine.
Molecular consequence: missense variant. On other transcripts: intron variant (1).
Genome position (GRCh38, 1-based): chr1:240,207,207, G>A. VCF-style: chr1-240207207-G-A. GRCh37 (hg19) VCF-style: chr1-240370507-G-A.
Other names: c.2407G>A, p.Asp803Asn (NM_001305424.2); c.1986+18945G>A (NM_001348094.2); short protein forms D799N, D803N.
Identifiers: ClinVar variation 2228774 (VCV002228774.2), dbSNP rs267598445, ClinGen allele CA1476620.